The following is an entry in ClinVar:

ClinVar aggregate classification (germline): Uncertain significance. Review status: criteria provided, multiple submitters, no conflicts (2 of 4 stars). 2 submissions from 2 submitters: Uncertain significance (2). Last evaluated 2024-04-10.

Conditions:
Inborn genetic diseases. Identifiers: MedGen C0950123, MeSH D030342.

Allele frequency attached by ClinVar (database versions not stated): 1000 Genomes Project 30x 0.00016; TOPMed 0.00001; 1000 Genomes Project 0.00020; gnomAD 0.00001; ExAC 0.00002; gnomAD exomes 0.00001.
gnomAD v4.1: 19 of 1,613,630 alleles (0.0012%); highest among the groups gnomAD compares: East Asian, 0.0067%; no homozygotes.

Submissions (2):

Labcorp Genetics (formerly Invitae), Labcorp
Classification: Uncertain significance. Last evaluated: 2024-04-10. Review status: criteria provided, single submitter. Criteria: Invitae Variant Classification Sherloc (09022015). Collection method: clinical testing. Allele origin: germline.
Comment: This sequence change replaces threonine, which is neutral and polar, with methionine, which is neutral and non-polar, at codon 2322 of the HSPG2 protein (p.Thr2322Met). This variant is present in population databases (rs185532720, gnomAD 0.01%). This variant has not been reported in the literature in individuals affected with HSPG2-related conditions. ClinVar contains an entry for this variant (Variation ID: 1472535). Algorithms developed to predict the effect of missense changes on protein structure and function output the following: SIFT: "Not Available"; PolyPhen-2: "Benign"; Align-GVGD: "Not Available". The methionine amino acid residue is found in multiple mammalian species, which suggests that this missense change does not adversely affect protein function. In summary, the available evidence is currently insufficient to determine the role of this variant in disease. Therefore, it has been classified as a Variant of Uncertain Significance.

Ambry Genetics
Classification: Uncertain significance for Inborn genetic diseases. Last evaluated: 2024-01-03. Review status: criteria provided, single submitter. Criteria: Ambry Variant Classification Scheme 2023. Collection method: clinical testing. Allele origin: germline.

NM_005529.7(HSPG2):c.6965C>T (p.Thr2322Met)

Gene: HSPG2 (heparan sulfate proteoglycan 2; minus strand). Cytogenetic location: 1p36.12.
Variant type: single nucleotide variant.
Coding change: c.6965C>T on transcript NM_005529.7 (MANE Select); coding-DNA position 6965, C replaced by T.
Protein change: p.Thr2322Met; replaces threonine 2322 with methionine.
Molecular consequence: missense variant.
Genome position (GRCh38, 1-based): chr1:21,851,832, G>A on the plus strand (C>T on the coding strand, the complement: HSPG2 is on the minus strand). VCF-style: chr1-21851832-G-A. GRCh37 (hg19) VCF-style: chr1-22178325-G-A.
Other names: c.6968C>T, p.Thr2323Met (NM_001291860.2); c.6965C>T (NM_005529.5); short protein forms T2323M, T2322M.
Identifiers: ClinVar variation 1472535 (VCV001472535.8), dbSNP rs185532720, ClinGen allele CA671365.